The following is an entry in ClinVar:

NM_006904.7(PRKDC):c.5854A>G (p.Ile1952Val)

Gene: PRKDC (protein kinase, DNA-activated, catalytic subunit; minus strand). Cytogenetic location: 8q11.21.
Variant type: single nucleotide variant.
Coding change: c.5854A>G on transcript NM_006904.7 (MANE Select); coding-DNA position 5854, A replaced by G.
Protein change: p.Ile1952Val; replaces isoleucine 1952 with valine.
Molecular consequence: missense variant.
Genome position (GRCh38, 1-based): chr8:47,862,438, T>C on the plus strand (A>G on the coding strand, the complement: PRKDC is on the minus strand). VCF-style: chr8-47862438-T-C. GRCh37 (hg19) VCF-style: chr8-48774999-T-C.
Other names: c.5854A>G, p.Ile1952Val (NM_001081640.2); short protein forms I1952V.
Identifiers: ClinVar variation 1714437 (VCV001714437.5), dbSNP rs2551870681, ClinGen allele CA371162321.

ClinVar aggregate classification (germline): Uncertain significance (1 of 4 stars; one submission).

Conditions:
Severe combined immunodeficiency due to DNA-PKcs deficiency. Also called: IMMUNODEFICIENCY 26 WITH NEUROLOGIC ABNORMALITIES; Immunodeficiency 26 with or without neurologic abnormalities. Identifiers: Orphanet 317425, MedGen C4014833, MONDO:0014423, OMIM 615966.

Submission:

Labcorp Genetics (formerly Invitae), Labcorp
Classification: Uncertain significance for Severe combined immunodeficiency due to DNA-PKcs deficiency. Last evaluated: 2024-11-05. Review status: criteria provided, single submitter. Criteria: Invitae Variant Classification Sherloc (09022015). Collection method: clinical testing. Allele origin: germline.
Comment: This sequence change replaces isoleucine, which is neutral and non-polar, with valine, which is neutral and non-polar, at codon 1952 of the PRKDC protein (p.Ile1952Val). This variant is not present in population databases (gnomAD no frequency). This variant has not been reported in the literature in individuals affected with PRKDC-related conditions. ClinVar contains an entry for this variant (Variation ID: 1714437). Invitae Evidence Modeling of protein sequence and biophysical properties (such as structural, functional, and spatial information, amino acid conservation, physicochemical variation, residue mobility, and thermodynamic stability) indicates that this missense variant is not expected to disrupt PRKDC protein function with a negative predictive value of 80%. In summary, the available evidence is currently insufficient to determine the role of this variant in disease. Therefore, it has been classified as a Variant of Uncertain Significance.